The following is an entry in ClinVar:

NM_005032.7(PLS3):c.1732A>G (p.Thr578Ala)

Gene: PLS3 (plastin 3; plus strand). Cytogenetic location: Xq23.
Variant type: single nucleotide variant.
Coding change: c.1732A>G on transcript NM_005032.7 (MANE Select); coding-DNA position 1732, A replaced by G.
Protein change: p.Thr578Ala; replaces threonine 578 with alanine.
Molecular consequence: missense variant.
Genome position (GRCh38, 1-based): chrX:115,647,989, A>G. VCF-style: chrX-115647989-A-G. GRCh37 (hg19) VCF-style: chrX-114882309-A-G.
Other names: c.1732A>G (NM_005032.6, NM_005032.5); c.1732A>G, p.Thr578Ala (NM_001136025.5); c.1651A>G, p.Thr551Ala (NM_001172335.3); c.1693A>G, p.Thr565Ala (NM_001282337.2); c.1597A>G, p.Thr533Ala (NM_001282338.2); short protein forms T533A, T551A, T565A, T578A.
Identifiers: ClinVar variation 1671632 (VCV001671632.11), dbSNP rs149142111, ClinGen allele CA10497122.

ClinVar aggregate classification (germline): Conflicting classifications of pathogenicity. Review status: criteria provided, conflicting classifications (1 of 4 stars). 3 submissions from 3 submitters: Uncertain significance (1); Benign (1). 1 of the submissions does not count toward it. Last evaluated 2025-11-27.

Conditions:
PLS3-related disorder. Also called: PLS3-related condition.
Inborn genetic diseases. Identifiers: MedGen C0950123, MeSH D030342.

Allele frequency attached by ClinVar (database versions not stated): gnomAD 0.00001 and 0.00003; TOPMed 0.00004; ExAC 0.00005; gnomAD exomes 0.00006 and 0.00008; 1000 Genomes Project 30x 0.00042; 1000 Genomes Project 0.00053.
gnomAD v4.1: 72 of 1,202,037 alleles (0.006%); highest among the groups gnomAD compares: East Asian, 0.12%; no homozygotes.

Submissions (3):

Labcorp Genetics (formerly Invitae), Labcorp
Classification: Benign. Last evaluated: 2025-11-27. Review status: criteria provided, single submitter. Criteria: Invitae Variant Classification Sherloc (09022015). Collection method: clinical testing. Allele origin: germline.

Ambry Genetics
Classification: Uncertain significance for Inborn genetic diseases. Last evaluated: 2024-07-27. Review status: criteria provided, single submitter. Criteria: Ambry Variant Classification Scheme 2023. Collection method: clinical testing. Allele origin: germline.

PreventionGenetics, part of Exact Sciences
Classification: Likely benign for PLS3-related condition. Last evaluated: 2022-09-28. Review status: no assertion criteria provided. Collection method: clinical testing. Allele origin: germline. Not counted in ClinVar's aggregate classification.
Comment: This variant is classified as likely benign based on ACMG/AMP sequence variant interpretation guidelines (Richards et al. 2015 PMID: 25741868, with internal and published modifications).